The following is an entry in ClinVar:

NM_000059.4(BRCA2):c.319A>G (p.Arg107Gly)

Gene: BRCA2 (BRCA2 DNA repair associated; plus strand). Cytogenetic location: 13q13.1.
Variant type: single nucleotide variant.
Coding change: c.319A>G on transcript NM_000059.4 (MANE Select); coding-DNA position 319, A replaced by G.
Protein change: p.Arg107Gly; replaces arginine 107 with glycine.
Molecular consequence: missense variant. On other transcripts: 5 prime UTR variant (1), non-coding transcript variant (1).
Genome position (GRCh38, 1-based): chr13:32,325,078, A>G. VCF-style: chr13-32325078-A-G. GRCh37 (hg19) VCF-style: chr13-32899215-A-G.
Other names: c.319A>G, p.Arg107Gly (NM_001406719.1, NM_001406720.1, NM_001406721.1 and 1 more transcripts); c.-51A>G (NM_001406722.1); short protein forms R107G.
Identifiers: ClinVar variation 3648189 (VCV003648189.2).

ClinVar aggregate classification (germline): Uncertain significance (1 of 4 stars; one submission).

Conditions:
Hereditary breast ovarian cancer syndrome. Also called: Hereditary breast and ovarian cancer syndrome (HBOC); Hereditary breast and ovarian cancer; BRCA1- and BRCA2-Associated Hereditary Breast and Ovarian Cancer; Hereditary breast and ovarian cancer syndrome; Hereditary breast and/or ovarian cancer syndrome; Breast and ovarian cancer. Identifiers: Orphanet 145, MedGen C0677776, MeSH D061325, MONDO:0003582. Disease mechanism: loss of function.

Submission:

Labcorp Genetics (formerly Invitae), Labcorp
Classification: Uncertain significance for Hereditary breast ovarian cancer syndrome. Last evaluated: 2024-03-30. Review status: criteria provided, single submitter. Criteria: Invitae Variant Classification Sherloc (09022015). Collection method: clinical testing. Allele origin: germline.
Comment: This sequence change replaces arginine, which is basic and polar, with glycine, which is neutral and non-polar, at codon 107 of the BRCA2 protein (p.Arg107Gly). This variant is not present in population databases (gnomAD no frequency). This variant has not been reported in the literature in individuals affected with BRCA2-related conditions. An algorithm developed to predict the effect of missense changes on protein structure and function (PolyPhen-2) suggests that this variant is likely to be tolerated. In summary, the available evidence is currently insufficient to determine the role of this variant in disease. Therefore, it has been classified as a Variant of Uncertain Significance.